The following is an entry in ClinVar:

NM_177438.3(DICER1):c.1024del (p.Arg342fs)

Gene: DICER1 (dicer 1, ribonuclease III; minus strand). Cytogenetic location: 14q32.13.
Variant type: Deletion.
Coding change: c.1024del on transcript NM_177438.3 (MANE Select); coding-DNA position 1024, one base deleted (A; older notation c.1024delA).
Protein change: p.Arg342fs; shifts the reading frame from arginine 342.
Molecular consequence: frameshift variant.
Genome position (GRCh38, 1-based): chr14:95,124,548, T deleted on the plus strand (A on the coding strand, the reverse complement: DICER1 is on the minus strand). VCF-style (leftmost placement, unchanged base first): chr14-95124547-CT-C. GRCh37 (hg19) VCF-style: chr14-95590884-CT-C.
Other names: c.1024delA (NM_177438.2); c.1024del, p.Arg342fs (NM_001195573.1, NM_001271282.3, NM_001291628.2 and 1 more transcripts); short protein forms R342fs.
Identifiers: ClinVar variation 429149 (VCV000429149.8), dbSNP rs1131691218, ClinGen allele CA645369625.
Genomic context (GRCh38, chr14:95,124,547, plus strand): 5'-TGCTCTTCACATAGTGCATGTATTTTCCTTAGGAAAGTGTCTGTAAACAATAAAAATTTC[CT>C]GTGCAGCTCCTCTTGCTCATGTTTGATGTATTTCTGTAGTTCTCTTACCATCATTCCAGC-3'

ClinVar aggregate classification (germline): Pathogenic. Review status: criteria provided, multiple submitters, no conflicts (2 of 4 stars). 2 submissions from 2 submitters: Pathogenic (2). Last evaluated 2019-07-01.

Conditions:
DICER1-related tumor predisposition. Also called: DICER1-related pleuropulmonary blastoma cancer predisposition syndrome; DICER1 syndrome. Identifiers: Orphanet 284343, MedGen C3839822, MONDO:0100216.
Hereditary cancer-predisposing syndrome. Also called: Hereditary neoplastic syndrome; Tumor predisposition; Neoplastic Syndromes, Hereditary; Hereditary Cancer Syndrome. Identifiers: Orphanet 140162, MedGen C0027672, MeSH D009386, MONDO:0015356.

Submissions (2):

Foulkes Cancer Genetics LDI, Lady Davis Institute for Medical Research
Classification: Pathogenic for Pleuropulmonary blastoma. Last evaluated: 2019-07-01. Review status: criteria provided, single submitter. Criteria: ACMG Guidelines, 2015. Collection method: curation. Allele origin: germline. Affected: yes. Observed: 1 variant allele.
Comment: ACMG criteria met: PVS1, PM2, PP4

Ambry Genetics
Classification: Pathogenic for Hereditary cancer-predisposing syndrome. Last evaluated: 2016-06-10. Review status: criteria provided, single submitter. Criteria: Ambry Variant Classification Scheme 2023. Collection method: clinical testing. Allele origin: germline.
Comment: The c.1024delA pathogenic mutation, located in coding exon 7 of the DICER1 gene, results from a deletion of one nucleotide at nucleotide position 1024, causing a translational frameshift with a predicted alternate stop codon (p.R342Gfs*11). This alteration is expected to result in loss of function by premature protein truncation or nonsense-mediated mRNA decay. As such, this alteration is interpreted as a disease-causing mutation.

Literature cited by the submitters: PubMed 28624956 (cited by Foulkes Cancer Genetics LDI, Lady Davis Institute for Medical Research).